The following is an entry in ClinVar:

ClinVar aggregate classification (germline): Conflicting classifications of pathogenicity. Review status: criteria provided, conflicting classifications (1 of 4 stars). 2 submissions from 2 submitters: Uncertain significance (1); Likely benign (1). Last evaluated 2025-09-22.

Conditions:
Hereditary breast ovarian cancer syndrome. Also called: Hereditary breast and ovarian cancer; Hereditary breast and ovarian cancer syndrome (HBOC); Breast and ovarian cancer; Hereditary breast and/or ovarian cancer syndrome; BRCA1- and BRCA2-Associated Hereditary Breast and Ovarian Cancer; Hereditary breast and ovarian cancer syndrome. Identifiers: Orphanet 145, MedGen C0677776, MeSH D061325, MONDO:0003582. Disease mechanism: loss of function.
Hereditary cancer-predisposing syndrome. Also called: Neoplastic Syndromes, Hereditary; Tumor predisposition; Hereditary Cancer Syndrome; Hereditary neoplastic syndrome. Identifiers: Orphanet 140162, MedGen C0027672, MeSH D009386, MONDO:0015356.

Submissions (3):

Labcorp Genetics (formerly Invitae), Labcorp
Classification: Uncertain significance for Hereditary breast ovarian cancer syndrome. Last evaluated: 2025-09-22. Review status: criteria provided, single submitter. Criteria: Invitae Variant Classification Sherloc (09022015). Collection method: clinical testing. Allele origin: germline.
Comment: This sequence change replaces glutamic acid, which is acidic and polar, with aspartic acid, which is acidic and polar, at codon 100 of the BRCA1 protein (p.Glu100Asp). This variant is not present in population databases (gnomAD no frequency). This variant has not been reported in the literature in individuals affected with BRCA1-related conditions. ClinVar contains an entry for this variant (Variation ID: 868829). An algorithm developed to predict the effect of missense changes on protein structure and function (PolyPhen-2) suggests that this variant is likely to be tolerated. In summary, the available evidence is currently insufficient to determine the role of this variant in disease. Therefore, it has been classified as a Variant of Uncertain Significance.

Ambry Genetics
Classification: Likely benign for Hereditary cancer-predisposing syndrome. Last evaluated: 2025-08-04. Review status: criteria provided, single submitter. Criteria: Ambry Variant Classification Scheme 2023. Collection method: clinical testing. Allele origin: germline.

Brotman Baty Institute, University of Washington
No classification provided (evidence only). Condition: Breast-ovarian cancer, familial 1. Review status: no classification provided. Collection method: in vitro. Allele origin: not applicable. Functional consequence: functionally_normal. Not counted in ClinVar's aggregate classification.
ClinVar note: "not provided" was previously submitted as the classification for the variant. However, the classification appeared to be based only on an observation of functional data so it was converted to no classification on 2025-07-30.

NM_007294.4(BRCA1):c.300G>C (p.Glu100Asp)

Gene: BRCA1 (BRCA1 DNA repair associated; minus strand). Cytogenetic location: 17q21.31.
Variant type: single nucleotide variant.
Coding change: c.300G>C on transcript NM_007294.4 (MANE Select); coding-DNA position 300, G replaced by C.
Protein change: p.Glu100Asp; replaces glutamic acid 100 with aspartic acid.
Molecular consequence: missense variant. On other transcripts: non-coding transcript variant (1).
Genome position (GRCh38, 1-based): chr17:43,104,869, C>G on the plus strand (G>C on the coding strand, the complement: BRCA1 is on the minus strand). VCF-style: chr17-43104869-C-G. GRCh37 (hg19) VCF-style: chr17-41256886-C-G.
Other names: c.300G>C, p.Glu100Asp (NM_001407689.1, NM_001407690.1, NM_001407691.1 and 165 more transcripts); c.159G>C, p.Glu53Asp (NM_001407692.1, NM_001407694.1, NM_001407695.1 and 99 more transcripts); c.90G>C, p.Glu30Asp (NM_001407853.1, NM_001407879.1, NM_001407881.1 and 58 more transcripts); c.222G>C, p.Glu74Asp (NM_001407862.1, NM_001407874.1, NM_001407875.1 and 21 more transcripts); c.-82G>C (NM_001407959.1, NM_001407960.1, NM_001407962.1 and 4 more transcripts); c.168G>C, p.Glu56Asp (NM_001408451.1); short protein forms E100D, E53D, E74D, E30D, E56D.
Identifiers: ClinVar variation 868829 (VCV000868829.5), dbSNP rs1555596638, ClinGen allele CA10601554.